The following is an entry in ClinVar:

ClinVar aggregate classification (germline): Uncertain significance (1 of 4 stars; one submission).

Conditions:
Short stature, facial dysmorphism, and skeletal anomalies with or without cardiac anomalies 2. Identifiers: MedGen C5543057, MONDO:0030953, OMIM 619184.

gnomAD v4.1: 2 of 1,613,958 alleles (0.00012%); highest among the groups gnomAD compares: South Asian, 0.0011%; no homozygotes.

Submission:

Neuberg Centre For Genomic Medicine, NCGM
Classification: Uncertain significance for Short stature, facial dysmorphism, and skeletal anomalies with or without cardiac anomalies 2. Review status: criteria provided, single submitter. Criteria: ACMG Guidelines, 2015. Collection method: clinical testing. Allele origin: germline. Inheritance: Autosomal recessive inheritance. Affected: yes.
Comment: The missense variant c.2420A>T (p.Glu807Val) in SCUBE3 gene has not been reported previously as a pathogenic variant nor as a benign variant, to our knowledge. The p.Glu807Val variant is absent in gnomAD exomes database. This variant has not been submitted to the ClinVar database. Multiple lines of computational evidence (Polyphen - probably damaging, SIFT - damaging and MutationTaster - disease causing) predict a damaging effect on protein structure and function for this variant. The reference amino acid at this position on SCUBE3 gene is predicted as conserved by GERP++ and PhyloP across 100 vertebrates. The amino acid Glu at position 807 is changed to a Val changing protein sequence and it might alter its composition and physico-chemical properties. For these reasons, this variant has been classified as Uncertain Significance (VUS).

NM_152753.4(SCUBE3):c.2420A>T (p.Glu807Val)

Gene: SCUBE3 (signal peptide, CUB domain and EGF like domain containing 3; plus strand). Cytogenetic location: 6p21.31.
Variant type: single nucleotide variant.
Coding change: c.2420A>T on transcript NM_152753.4 (MANE Select); coding-DNA position 2420, A replaced by T.
Protein change: p.Glu807Val; replaces glutamic acid 807 with valine.
Molecular consequence: missense variant.
Genome position (GRCh38, 1-based): chr6:35,245,246, A>T. VCF-style: chr6-35245246-A-T. GRCh37 (hg19) VCF-style: chr6-35213023-A-T.
Other names: c.2417A>T, p.Glu806Val (NM_001303136.2); short protein forms E807V, E806V.
Identifiers: ClinVar variation 3731287 (VCV003731287.1).